The following is an entry in ClinVar:

NM_001166114.2(PNPLA6):c.3655G>A (p.Asp1219Asn)

Gene: PNPLA6 (patatin like domain 6, lysophospholipase; plus strand). Cytogenetic location: 19p13.2.
Variant type: single nucleotide variant.
Coding change: c.3655G>A on transcript NM_001166114.2 (MANE Select); coding-DNA position 3655, G replaced by A.
Protein change: p.Asp1219Asn; replaces aspartic acid 1219 with asparagine.
Molecular consequence: missense variant.
Genome position (GRCh38, 1-based): chr19:7,559,107, G>A. VCF-style: chr19-7559107-G-A. GRCh37 (hg19) VCF-style: chr19-7623993-G-A.
Other names: c.3685G>A, p.Asp1229Asn (NM_001166111.2); c.3460G>A, p.Asp1154Asn (NM_001166112.2); c.3541G>A, p.Asp1181Asn (NM_001166113.1, NM_006702.5); short protein forms D1181N, D1229N, D1154N, D1219N.
Identifiers: ClinVar variation 623923 (VCV000623923.50), dbSNP rs370060935, ClinGen allele CA9140530.

ClinVar aggregate classification (germline): Uncertain significance. Review status: criteria provided, multiple submitters, no conflicts (2 of 4 stars). 2 submissions from 2 submitters: Uncertain significance (2). Last evaluated 2025-10-08.

Conditions:
Hereditary spastic paraplegia 39 (SPG39). Also called: SPASTIC PARAPLEGIA 39, AUTOSOMAL RECESSIVE; Spastic Paraplegia Type 39 (SPG39). Identifiers: Orphanet 139480, MedGen C2677586, MONDO:0012787, OMIM 612020.

Allele frequency attached by ClinVar (database versions not stated): gnomAD exomes 0.00001 and 0.00002; TOPMed 0.00001; ExAC 0.00002; gnomAD 0.00003; ESP Exome Variant Server 0.00008.
gnomAD v4.1: 25 of 1,614,078 alleles (0.0015%); highest among the groups gnomAD compares: Middle Eastern, 0.016%; no homozygotes.

Submissions (2):

Labcorp Genetics (formerly Invitae), Labcorp
Classification: Uncertain significance for Hereditary spastic paraplegia 39. Last evaluated: 2025-10-08. Review status: criteria provided, single submitter. Criteria: Invitae Variant Classification Sherloc (09022015). Collection method: clinical testing. Allele origin: germline.
Comment: This sequence change replaces aspartic acid, which is acidic and polar, with asparagine, which is neutral and polar, at codon 1181 of the PNPLA6 protein (p.Asp1181Asn). This variant is present in population databases (rs370060935, gnomAD 0.004%). This variant has not been reported in the literature in individuals affected with PNPLA6-related conditions. ClinVar contains an entry for this variant (Variation ID: 623923). Invitae Evidence Modeling of protein sequence and biophysical properties (such as structural, functional, and spatial information, amino acid conservation, physicochemical variation, residue mobility, and thermodynamic stability) indicates that this missense variant is not expected to disrupt PNPLA6 protein function with a negative predictive value of 80%. In summary, the available evidence is currently insufficient to determine the role of this variant in disease. Therefore, it has been classified as a Variant of Uncertain Significance.

CeGaT Center for Human Genetics Tuebingen
Classification: Uncertain significance. Last evaluated: 2018-06-01. Review status: criteria provided, single submitter. Criteria: CeGaT Center For Human Genetics Tuebingen Variant Classification Criteria Version 2. Collection method: clinical testing. Allele origin: germline. Affected: yes. Observed: 1 variant allele.